The following is an entry in ClinVar:

ClinVar aggregate classification (germline): Likely benign (0 of 4 stars; one submission).

Conditions:
MASTL-related disorder. Also called: MASTL-related condition.

Allele frequency attached by ClinVar (database versions not stated): ExAC 0.00001; gnomAD 0.00002; TOPMed 0.00003.
gnomAD v4.1: 14 of 1,614,060 alleles (0.00087%); highest among the groups gnomAD compares: Admixed American, 0.01%; no homozygotes.

Submission:

PreventionGenetics, part of Exact Sciences
Classification: Likely benign for MASTL-related condition. Last evaluated: 2020-02-24. Review status: no assertion criteria provided. Collection method: clinical testing. Allele origin: germline.
Comment: This variant is classified as likely benign based on ACMG/AMP sequence variant interpretation guidelines (Richards et al. 2015 PMID: 25741868, with internal and published modifications).

NM_001172303.3(MASTL):c.1038G>A (p.Lys346=)

Gene: MASTL (microtubule associated serine/threonine kinase like; plus strand). Cytogenetic location: 10p12.1.
Variant type: single nucleotide variant.
Coding change: c.1038G>A on transcript NM_001172303.3 (MANE Select); coding-DNA position 1038, G replaced by A.
Protein change: p.Lys346=; no amino-acid change (lysine 346 retained).
Molecular consequence: synonymous variant. On other transcripts: non-coding transcript variant (1).
Genome position (GRCh38, 1-based): chr10:27,169,997, G>A. VCF-style: chr10-27169997-G-A. GRCh37 (hg19) VCF-style: chr10-27458926-G-A.
Other names: c.1038G>A, p.Lys346= (NM_001172304.3, NM_001320756.2, NM_001320757.2 and 1 more transcripts); c.555G>A, p.Lys185= (NM_001372029.1, NM_001372030.1).
Identifiers: ClinVar variation 3051460 (VCV003051460.2), dbSNP rs756961236, ClinGen allele CA5450144.